The following is an entry in ClinVar:

NM_001035.3(RYR2):c.6707G>T (p.Gly2236Val)

Gene: RYR2 (ryanodine receptor 2; plus strand). Cytogenetic location: 1q43.
Variant type: single nucleotide variant.
Coding change: c.6707G>T on transcript NM_001035.3 (MANE Select); coding-DNA position 6707, G replaced by T.
Protein change: p.Gly2236Val; replaces glycine 2236 with valine.
Molecular consequence: missense variant.
Genome position (GRCh38, 1-based): chr1:237,634,907, G>T. VCF-style: chr1-237634907-G-T. GRCh37 (hg19) VCF-style: chr1-237798207-G-T.
Other names: c.6707G>T, p.Gly2236Val (LRG_402t1); short protein forms G2236V.
Identifiers: ClinVar variation 451389 (VCV000451389.7), dbSNP rs1553261760, ClinGen allele CA345394514.

ClinVar aggregate classification (germline): Uncertain significance. Review status: criteria provided, multiple submitters, no conflicts (2 of 4 stars). 3 submissions from 3 submitters: Uncertain significance (3). Last evaluated 2023-04-03.

Conditions:
Catecholaminergic polymorphic ventricular tachycardia (CVPT). Also called: Catecholamine-induced polymorphic ventricular tachycardia. Identifiers: Orphanet 3286, MedGen C5574922, MONDO:0017990.
Cardiomyopathy (CMYO). Also called: Cardiomyopathies. Identifiers: Orphanet 167848, MedGen C0878544, MONDO:0004994, HP:0001638. Inheritance: Various modes of inheritance.

Allele frequency attached by ClinVar (database versions not stated): gnomAD exomes below 0.00001.
gnomAD v4.1: 1 of 1,608,710 alleles (0.000062%); highest among the groups gnomAD compares: Non-Finnish European, 0.000085%; no homozygotes.

Submissions (3):

All of Us Research Program, National Institutes of Health
Classification: Uncertain significance for Catecholaminergic polymorphic ventricular tachycardia. Last evaluated: 2023-04-03. Review status: criteria provided, single submitter. Criteria: ACMG Guidelines, 2015. Collection method: clinical testing. Allele origin: germline. Inheritance: Autosomal dominant inheritance. Observed: 1 variant allele, 1 heterozygote.
Comment: This missense variant replaces glycine with valine at codon 2236 of the RYR2 protein. Computational prediction suggests that this variant may have deleterious impact on protein structure and function (internally defined REVEL score threshold >= 0.7, PMID: 27666373). To our knowledge, functional studies have not been reported for this variant. This variant has not been reported in individuals affected with cardiovascular disorders in the literature. This variant has not been identified in the general population by the Genome Aggregation Database (gnomAD). The available evidence is insufficient to determine the role of this variant in disease conclusively. Therefore, this variant is classified as a Variant of Uncertain Significance.

This study involves interpretation of variants in research participants for the purpose of population health screening. Participant phenotype was not available at the time of variant classification. Additional details can be found in publication PMID: 35346344, PMCID: PMC8962531

Color Diagnostics, LLC DBA Color Health
Classification: Uncertain significance for Cardiomyopathy. Last evaluated: 2023-02-28. Review status: criteria provided, single submitter. Criteria: ACMG Guidelines, 2015. Collection method: clinical testing. Allele origin: germline.
Comment: This missense variant replaces glycine with valine at codon 2236 of the RYR2 protein. Computational prediction suggests that this variant may have deleterious impact on protein structure and function (internally defined REVEL score threshold >= 0.7, PMID: 27666373). To our knowledge, functional studies have not been reported for this variant. This variant has not been reported in individuals affected with cardiovascular disorders in the literature. This variant has not been identified in the general population by the Genome Aggregation Database (gnomAD). The available evidence is insufficient to determine the role of this variant in disease conclusively. Therefore, this variant is classified as a Variant of Uncertain Significance.

GeneDx
Classification: Uncertain significance. Last evaluated: 2017-08-16. Review status: criteria provided, single submitter. Criteria: GeneDx Variant Classification (06012015). Collection method: clinical testing. Allele origin: germline. Affected: yes.
Comment: The G2236V variant of uncertain significance in the RYR2 gene has not been published as pathogenic or been reported as benign to our knowledge. G2236V is not observed in large population cohorts (Lek et al., 2016; 1000 Genomes Consortium et al., 2015; Exome Variant Server). This substitution occurs at a position that is conserved across species, and in silico analysis predicts this variant is probably damaging to the protein structure/function. However, the G2236V variant is a conservative amino acid substitution, which is not likely to impact secondary protein structure as these residues share similar properties. Furthermore, the G2236V variant is not located in one of the three hot-spot regions of the RYR2 gene, where the majority of pathogenic missense variants occur (Medeiros-Domingo et al., 2009).